The following is an entry in ClinVar:

NM_173494.2(DNAAF6):c.57A>C (p.Gln19His)

Gene: DNAAF6 (dynein axonemal assembly factor 6; plus strand). Cytogenetic location: Xq22.3.
Variant type: single nucleotide variant.
Coding change: c.57A>C on transcript NM_173494.2 (MANE Select); coding-DNA position 57, A replaced by C.
Protein change: p.Gln19His; replaces glutamine 19 with histidine.
Molecular consequence: missense variant.
Genome position (GRCh38, 1-based): chrX:107,212,932, A>C. VCF-style: chrX-107212932-A-C. GRCh37 (hg19) VCF-style: chrX-106456162-A-C.
Other names: c.57A>C, p.Gln19His (NM_001169154.2); short protein forms Q19H.
Identifiers: ClinVar variation 4760290 (VCV004760290.1).

ClinVar aggregate classification (germline): Uncertain significance (1 of 4 stars; one submission).

gnomAD v4.1: 1 of 1,204,786 alleles (0.000083%); highest among the groups gnomAD compares: African/African-American, 0.0018%; no homozygotes.

Submission:

Labcorp Genetics (formerly Invitae), Labcorp
Classification: Uncertain significance. Last evaluated: 2025-03-28. Review status: criteria provided, single submitter. Criteria: Invitae Variant Classification Sherloc (09022015). Collection method: clinical testing. Allele origin: germline.
Comment: This sequence change replaces glutamine, which is neutral and polar, with histidine, which is basic and polar, at codon 19 of the PIH1D3 protein (p.Gln19His). This variant is not present in population databases (gnomAD no frequency). This variant has not been reported in the literature in individuals affected with PIH1D3-related conditions. An algorithm developed to predict the effect of missense changes on protein structure and function (PolyPhen-2) suggests that this variant is likely to be disruptive. In summary, the available evidence is currently insufficient to determine the role of this variant in disease. Therefore, it has been classified as a Variant of Uncertain Significance.